The following is an entry in ClinVar:

ClinVar aggregate classification (germline): Pathogenic (1 of 4 stars; one submission).

Conditions:
Hereditary cancer-predisposing syndrome. Also called: Hereditary neoplastic syndrome; Hereditary Cancer Syndrome; Neoplastic Syndromes, Hereditary; Tumor predisposition. Identifiers: Orphanet 140162, MedGen C0027672, MeSH D009386, MONDO:0015356.

Submission:

Ambry Genetics
Classification: Pathogenic for Hereditary cancer-predisposing syndrome. Last evaluated: 2023-05-24. Review status: criteria provided, single submitter. Criteria: Ambry Variant Classification Scheme 2023. Collection method: clinical testing. Allele origin: germline.
Comment: The c.5365delC variant, located in coding exon 35 of the ATM gene, results from a deletion of one nucleotide at nucleotide position 5365, causing a translational frameshift with a predicted alternate stop codon (p.L1789Wfs*4). This alteration is expected to result in loss of function by premature protein truncation or nonsense-mediated mRNA decay. As such, this alteration is interpreted as a disease-causing mutation.

NM_000051.4(ATM):c.5365del (p.Leu1789fs)

Gene: ATM (ATM serine/threonine kinase; plus strand). Cytogenetic location: 11q22.3.
Variant type: Deletion.
Coding change: c.5365del on transcript NM_000051.4 (MANE Select); coding-DNA position 5365, one base deleted (C; older notation c.5365delC).
Protein change: p.Leu1789fs; shifts the reading frame from leucine 1789.
Molecular consequence: frameshift variant.
Genome position (GRCh38, 1-based): chr11:108,302,898, C deleted; the last of 2 consecutive C bases (chr11:108,302,897-108,302,898); deleting either gives the same sequence. VCF-style (leftmost placement, unchanged base first): chr11-108302896-GC-G. GRCh37 (hg19) VCF-style: chr11-108173623-GC-G.
Other names: c.5365del, p.Leu1789fs (NM_001351834.2); short protein forms L1789fs.
Identifiers: ClinVar variation 2568217 (VCV002568217.2), dbSNP rs2546979308, ClinGen allele CA2580615035.
Genomic context (GRCh38, chr11:108,302,896, plus strand): 5'-AATCCCTTTCTTTCTAGTTTTTAGAAGTACCCAGATTTGACAAAGAAAACCCTTTTGAAG[GC>G]CTGGATGATATAAATCTGTGGATTCCTCTAAGTGAAAATCATGACATTTGGATAAAGACA-3'